The following is an entry in ClinVar:

ClinVar aggregate classification (germline): Uncertain significance. Review status: criteria provided, multiple submitters, no conflicts (2 of 4 stars). 4 submissions from 4 submitters: Uncertain significance (4). Last evaluated 2025-08-26.

Conditions:
Inborn genetic diseases. Identifiers: MedGen C0950123, MeSH D030342.

Allele frequency attached by ClinVar (database versions not stated): ExAC 0.00006; gnomAD exomes 0.00006.
gnomAD v4.1: 77 of 1,613,178 alleles (0.0048%); highest among the groups gnomAD compares: Non-Finnish European, 0.0045%; no homozygotes.

Submissions (4):

Ambry Genetics
Classification: Uncertain significance for Inborn genetic diseases. Last evaluated: 2025-08-26. Review status: criteria provided, single submitter. Criteria: Ambry Variant Classification Scheme 2023. Collection method: clinical testing. Allele origin: germline.

Labcorp Genetics (formerly Invitae), Labcorp
Classification: Uncertain significance. Last evaluated: 2022-10-17. Review status: criteria provided, single submitter. Criteria: Invitae Variant Classification Sherloc (09022015). Collection method: clinical testing. Allele origin: germline.
Comment: This sequence change replaces arginine, which is basic and polar, with histidine, which is basic and polar, at codon 71 of the TBCE protein (p.Arg71His). This variant is present in population databases (rs775857834, gnomAD 0.06%). This variant has not been reported in the literature in individuals affected with TBCE-related conditions. ClinVar contains an entry for this variant (Variation ID: 1373914). Advanced modeling of protein sequence and biophysical properties (such as structural, functional, and spatial information, amino acid conservation, physicochemical variation, residue mobility, and thermodynamic stability) performed at Invitae indicates that this missense variant is expected to disrupt TBCE protein function. In summary, the available evidence is currently insufficient to determine the role of this variant in disease. Therefore, it has been classified as a Variant of Uncertain Significance.

Blueprint Genetics
Classification: Uncertain significance. Last evaluated: 2022-01-31. Review status: criteria provided, single submitter. Criteria: ACMG Guidelines, 2015. Collection method: clinical testing. Allele origin: germline.

Breakthrough Genomics
Classification: Uncertain significance. Review status: criteria provided, single submitter. Criteria: ACMG Guidelines, 2015. Collection method: not provided. Allele origin: germline. Inheritance: Autosomal recessive inheritance. Affected: yes.

NM_003193.5(TBCE):c.212G>A (p.Arg71His)

Gene: TBCE (tubulin folding cofactor E; plus strand). Cytogenetic location: 1q42.3.
Variant type: single nucleotide variant.
Coding change: c.212G>A on transcript NM_003193.5 (MANE Select); coding-DNA position 212, G replaced by A.
Protein change: p.Arg71His; replaces arginine 71 with histidine.
Molecular consequence: missense variant. On other transcripts: 5 prime UTR variant (1).
Genome position (GRCh38, 1-based): chr1:235,414,459, G>A. VCF-style: chr1-235414459-G-A. GRCh37 (hg19) VCF-style: chr1-235577774-G-A.
Other names: c.212G>A (NM_003193.3); c.212G>A, p.Arg71His (NM_001079515.3, NM_001287801.2); c.-184G>A (NM_001287802.2); short protein forms R71H.
Identifiers: ClinVar variation 1373914 (VCV001373914.6), dbSNP rs775857834, ClinGen allele CA1463971.